The following is an entry in ClinVar:

ClinVar aggregate classification (germline): Likely benign. Review status: criteria provided, multiple submitters, no conflicts (2 of 4 stars). 2 submissions from 2 submitters: Likely benign (2). Last evaluated 2024-05-01.

Allele frequency attached by ClinVar (database versions not stated): ExAC 0.00002; TOPMed 0.00002; gnomAD 0.00003 and 0.00004.
gnomAD v4.1: 23 of 1,605,682 alleles (0.0014%); highest among the groups gnomAD compares: Admixed American, 0.0067%; no homozygotes.

Submissions (2):

CeGaT Center for Human Genetics Tuebingen
Classification: Likely benign. Last evaluated: 2024-05-01. Review status: criteria provided, single submitter. Criteria: CeGaT Center For Human Genetics Tuebingen Variant Classification Criteria Version 2. Collection method: clinical testing. Allele origin: germline. Affected: yes. Observed: 1 variant allele.
Comment: WDR62: BP4, BP7

Labcorp Genetics (formerly Invitae), Labcorp
Classification: Likely benign. Last evaluated: 2021-11-23. Review status: criteria provided, single submitter. Criteria: Invitae Variant Classification Sherloc (09022015). Collection method: clinical testing. Allele origin: germline.

NM_001083961.2(WDR62):c.4513C>T (p.Leu1505=)

Gene: WDR62 (WD repeat domain 62; plus strand). Cytogenetic location: 19q13.12.
Variant type: single nucleotide variant.
Coding change: c.4513C>T on transcript NM_001083961.2 (MANE Select); coding-DNA position 4513, C replaced by T.
Protein change: p.Leu1505=; no amino-acid change (leucine 1505 retained).
Molecular consequence: synonymous variant.
Genome position (GRCh38, 1-based): chr19:36,104,969, C>T. VCF-style: chr19-36104969-C-T. GRCh37 (hg19) VCF-style: chr19-36595871-C-T.
Other names: c.4498C>T, p.Leu1500= (NM_173636.5).
Identifiers: ClinVar variation 1664069 (VCV001664069.27), dbSNP rs760732678, ClinGen allele CA9396593.